The following is an entry in ClinVar:

ClinVar aggregate classification (germline): Pathogenic. Review status: criteria provided, multiple submitters, no conflicts (2 of 4 stars). 2 submissions from 2 submitters: Pathogenic (2). Last evaluated 2024-10-22.

Conditions:
Duchenne muscular dystrophy (DMD). Also called: MUSCULAR DYSTROPHY, PSEUDOHYPERTROPHIC PROGRESSIVE, DUCHENNE TYPE; Duchenne Muscular Dystrophy (DMD). Identifiers: Orphanet 98896, MedGen C0013264, MONDO:0010679, OMIM 310200.

Submissions (2):

Labcorp Genetics (formerly Invitae), Labcorp
Classification: Pathogenic for Duchenne muscular dystrophy. Last evaluated: 2024-10-22. Review status: criteria provided, single submitter. Criteria: Invitae Variant Classification Sherloc (09022015). Collection method: clinical testing. Allele origin: germline.
Comment: This sequence change creates a premature translational stop signal (p.Lys710Argfs*19) in the DMD gene. It is expected to result in an absent or disrupted protein product. Loss-of-function variants in DMD are known to be pathogenic (PMID: 16770791, 25007885). This variant is not present in population databases (gnomAD no frequency). This variant has not been reported in the literature in individuals affected with DMD-related conditions. ClinVar contains an entry for this variant (Variation ID: 595522). For these reasons, this variant has been classified as Pathogenic.

Eurofins Ntd Llc (ga)
Classification: Pathogenic. Last evaluated: 2018-01-10. Review status: criteria provided, single submitter. Criteria: EGL Classification Definitions 2015. Collection method: clinical testing. Allele origin: germline. Observed: 1 variant allele, 1 hemizygote.

Literature cited by the submitters: PubMed 16770791 (cited by Labcorp Genetics (formerly Invitae), Labcorp); PubMed 25007885 (cited by Labcorp Genetics (formerly Invitae), Labcorp).

NM_004006.3(DMD):c.2129del (p.Lys710fs)

Gene: DMD (dystrophin; minus strand). Cytogenetic location: Xp21.1.
Variant type: Deletion.
Coding change: c.2129del on transcript NM_004006.3 (MANE Select); coding-DNA position 2129, one base deleted (A; older notation c.2129delA).
Protein change: p.Lys710fs; shifts the reading frame from lysine 710.
Molecular consequence: frameshift variant.
Genome position (GRCh38, 1-based): chrX:32,545,198, T deleted on the plus strand (A on the coding strand, the reverse complement: DMD is on the minus strand); the first of 4 consecutive T bases (chrX:32,545,198-32,545,201); deleting any one gives the same sequence. VCF-style (leftmost placement, unchanged base first): chrX-32545197-CT-C. GRCh37 (hg19) VCF-style: chrX-32563314-CT-C.
Other names: c.2105del, p.Lys702fs (NM_000109.4); c.2117del, p.Lys706fs (NM_004009.3); c.1760del, p.Lys587fs (NM_004010.3); c.2129delA (NM_004006.2); short protein forms K587fs, K702fs, K710fs, K706fs.
Identifiers: ClinVar variation 595522 (VCV000595522.9), dbSNP rs1569169560, ClinGen allele CA913190670.